The following is an entry in ClinVar:

ClinVar aggregate classification (germline): Uncertain significance. Review status: criteria provided, multiple submitters, no conflicts (2 of 4 stars). 2 submissions from 2 submitters: Uncertain significance (2). Last evaluated 2024-10-26.

Conditions:
Adenine phosphoribosyltransferase deficiency (APRTD). Also called: APRT DEFICIENCY; NEPHROLITHIASIS, DHA; Urolithiasis, dha; 2,8-dihydroxyadenine urolithiasis. Identifiers: Orphanet 976, MedGen C0268120, MONDO:0013869, OMIM 614723.

Allele frequency attached by ClinVar (database versions not stated): TOPMed 0.00002; gnomAD 0.00003 and 0.00004; gnomAD exomes 0.00003; ExAC 0.00005; ESP Exome Variant Server 0.00008; 1000 Genomes Project 30x 0.00016; 1000 Genomes Project 0.00020.
gnomAD v4.1: 48 of 1,613,258 alleles (0.003%); highest among the groups gnomAD compares: Middle Eastern, 0.016%; no homozygotes.

Submissions (2):

Labcorp Genetics (formerly Invitae), Labcorp
Classification: Uncertain significance. Last evaluated: 2024-10-26. Review status: criteria provided, single submitter. Criteria: Invitae Variant Classification Sherloc (09022015). Collection method: clinical testing. Allele origin: germline.
Comment: This sequence change replaces valine, which is neutral and non-polar, with methionine, which is neutral and non-polar, at codon 154 of the APRT protein (p.Val154Met). This variant is present in population databases (rs141669365, gnomAD 0.02%). This variant has not been reported in the literature in individuals affected with APRT-related conditions. ClinVar contains an entry for this variant (Variation ID: 1461446). An algorithm developed to predict the effect of missense changes on protein structure and function (PolyPhen-2) suggests that this variant¬†is likely to be tolerated. In summary, the available evidence is currently insufficient to determine the role of this variant in disease. Therefore, it has been classified as a Variant of Uncertain Significance.

Fulgent Genetics
Classification: Uncertain significance for Adenine phosphoribosyltransferase deficiency. Last evaluated: 2022-04-20. Review status: criteria provided, single submitter. Criteria: ACMG Guidelines, 2015. Collection method: clinical testing. Allele origin: unknown.

NM_000485.3(APRT):c.460G>A (p.Val154Met)

Gene: APRT (adenine phosphoribosyltransferase; minus strand). Cytogenetic location: 16q24.3.
Variant type: single nucleotide variant.
Coding change: c.460G>A on transcript NM_000485.3 (MANE Select); coding-DNA position 460, G replaced by A.
Protein change: p.Val154Met; replaces valine 154 with methionine.
Molecular consequence: missense variant. On other transcripts: intron variant (1).
Genome position (GRCh38, 1-based): chr16:88,809,781, C>T on the plus strand (G>A on the coding strand, the complement: APRT is on the minus strand). VCF-style: chr16-88809781-C-T. GRCh37 (hg19) VCF-style: chr16-88876189-C-T.
Other names: c.401-75G>A (NM_001030018.2); short protein forms V154M.
Identifiers: ClinVar variation 1461446 (VCV001461446.5), dbSNP rs141669365, ClinGen allele CA8234358.
Genomic context (GRCh38, chr16:88,809,781, plus strand): 5'-AGAAGGGTACAGGTGCCAGCTTCTCCCTGCCCTTAAGCGAGGTCAGCTCCACCAGGCTCA[C>T]GCACTCCAGGACCTCAGCCTGCAGGCGGCCCAGCAGCTCACAGGCAGCGTTCATGGTTCC-3'
Protein context (NP_000476.1, residues 144-164): GRLQAEVLEC[Val154Met]SLVELTSLKG